The following is an entry in ClinVar:

NM_032888.4(COL27A1):c.300G>T (p.Leu100=)

Gene: COL27A1 (collagen type XXVII alpha 1 chain; plus strand). Cytogenetic location: 9q32.
Variant type: single nucleotide variant.
Coding change: c.300G>T on transcript NM_032888.4 (MANE Select); coding-DNA position 300, G replaced by T.
Protein change: p.Leu100=; no amino-acid change (leucine 100 retained).
Molecular consequence: synonymous variant.
Genome position (GRCh38, 1-based): chr9:114,167,855, G>T. VCF-style: chr9-114167855-G-T. GRCh37 (hg19) VCF-style: chr9-116930135-G-T.
Identifiers: ClinVar variation 4282104 (VCV004282104.2).
Genomic context (GRCh38, chr9:114,167,855, plus strand): 5'-CCGGCTCCAGGCTCCCACGGGCACCGTCATTCCTGCCGCCTTGGGCACAGAGCTGGCACT[G>T]GTGCTGAGCCTCTGCTCCCACCGGGTGAACCATGCCTTCCTCTTCGCTGTCCGCAGCCAG-3'
Protein context (NP_116277.2, residues 90-110): IPAALGTELA[Leu100=]VLSLCSHRVN

ClinVar aggregate classification (germline): Conflicting classifications of pathogenicity. Review status: criteria provided, conflicting classifications (1 of 4 stars). 2 submissions from 2 submitters: Uncertain significance (1); Likely benign (1). Last evaluated 2025-07-28.

gnomAD v4.1: 7 of 1,613,510 alleles (0.00043%); highest among the groups gnomAD compares: South Asian, 0.0077%; no homozygotes.

Submissions (2):

Labcorp Genetics (formerly Invitae), Labcorp
Classification: Likely benign. Last evaluated: 2025-07-28. Review status: criteria provided, single submitter. Criteria: Invitae Variant Classification Sherloc (09022015). Collection method: clinical testing. Allele origin: germline.

GeneDx
Classification: Uncertain significance. Last evaluated: 2025-04-13. Review status: criteria provided, single submitter. Criteria: GeneDx Variant Classification Process June 2021. Collection method: clinical testing. Allele origin: germline. Affected: yes.
Comment: In silico analysis indicates that this variant does not alter splicing; Has not been previously published as pathogenic or benign to our knowledge